The following is an entry in ClinVar:

NM_005573.4(LMNB1):c.1491+4A>T

Gene: LMNB1 (lamin B1; plus strand). Cytogenetic location: 5q23.2.
Variant type: single nucleotide variant.
Coding change: c.1491+4A>T on transcript NM_005573.4 (MANE Select); 4 bases into the intron after coding-DNA position 1491, A replaced by T.
Molecular consequence: intron variant.
Genome position (GRCh38, 1-based): chr5:126,822,889, A>T. VCF-style: chr5-126822889-A-T. GRCh37 (hg19) VCF-style: chr5-126158581-A-T.
Other names: c.861+4A>T (NM_001198557.2).
Identifiers: ClinVar variation 2504777 (VCV002504777.1), dbSNP rs1363226264, ClinGen allele CA803478415.

ClinVar aggregate classification (germline): Uncertain significance (1 of 4 stars; one submission).

Allele frequency attached by ClinVar (database versions not stated): TOPMed below 0.00001.

Submission:

GeneDx
Classification: Uncertain significance. Last evaluated: 2022-12-09. Review status: criteria provided, single submitter. Criteria: GeneDx Variant Classification Process June 2021. Collection method: clinical testing. Allele origin: germline. Affected: yes.
Comment: Not observed at significant frequency in large population cohorts (gnomAD); In silico analysis supports that this variant does not alter splicing; Has not been previously published as pathogenic or benign to our knowledge